The following is an entry in ClinVar:

NM_206996.4(SPAG17):c.4209C>T (p.Ile1403=)

Gene: SPAG17 (sperm associated antigen 17; minus strand). Cytogenetic location: 1p12.
Variant type: single nucleotide variant.
Coding change: c.4209C>T on transcript NM_206996.4 (MANE Select); coding-DNA position 4209, C replaced by T.
Protein change: p.Ile1403=; no amino-acid change (isoleucine 1403 retained).
Molecular consequence: synonymous variant.
Genome position (GRCh38, 1-based): chr1:118,016,043, G>A on the plus strand (C>T on the coding strand, the complement: SPAG17 is on the minus strand). VCF-style: chr1-118016043-G-A. GRCh37 (hg19) VCF-style: chr1-118558666-G-A.
Identifiers: ClinVar variation 2639034 (VCV002639034.24), dbSNP rs146386019, ClinGen allele CA1033479.

ClinVar aggregate classification (germline): Likely benign (1 of 4 stars; one submission).

Allele frequency attached by ClinVar (database versions not stated): ESP Exome Variant Server 0.00015; 1000 Genomes Project 30x 0.00031; 1000 Genomes Project 0.00040; ExAC 0.00080.
gnomAD v4.1: 608 of 1,613,956 alleles (0.038%); highest among the groups gnomAD compares: East Asian, 0.29%; 2 homozygotes.

Submission:

CeGaT Center for Human Genetics Tuebingen
Classification: Likely benign. Last evaluated: 2022-08-01. Review status: criteria provided, single submitter. Criteria: CeGaT Center For Human Genetics Tuebingen Variant Classification Criteria Version 2. Collection method: clinical testing. Allele origin: germline. Affected: yes. Observed: 1 variant allele.
Comment: SPAG17: BP4, BP7